The following is an entry in ClinVar:

NM_001386298.1(CIC):c.7504C>T (p.Gln2502Ter)

Gene: CIC (capicua transcriptional repressor; plus strand). Cytogenetic location: 19q13.2.
Variant type: single nucleotide variant.
Coding change: c.7504C>T on transcript NM_001386298.1 (MANE Select); coding-DNA position 7504, C replaced by T.
Protein change: p.Gln2502Ter; replaces glutamine 2502 with a stop codon.
Molecular consequence: nonsense.
Genome position (GRCh38, 1-based): chr19:42,295,141, C>T. VCF-style: chr19-42295141-C-T. GRCh37 (hg19) VCF-style: chr19-42799293-C-T.
Other names: c.7504C>T, p.Gln2502Ter (NM_001304815.2); c.7501C>T, p.Gln2501Ter (NM_001379480.1, NM_001379482.1, NM_001439183.1); c.4771C>T, p.Gln1591Ter (NM_001379484.1, NM_001439191.1); c.4768C>T, p.Gln1590Ter (NM_001379485.1); c.7498C>T, p.Gln2500Ter (NM_001439184.1, NM_001439185.1, NM_001439186.1); c.7495C>T, p.Gln2499Ter (NM_001439187.1); c.7492C>T, p.Gln2498Ter (NM_001439188.1); c.4774C>T, p.Gln1592Ter (NM_001439189.1, NM_001439190.1); and 1 more; short protein forms Q1590*, Q1591*, Q1592*, Q1593*, Q2498*, Q2499*, Q2500*, Q2501*.
Identifiers: ClinVar variation 4077097 (VCV004077097.1).

ClinVar aggregate classification (germline): Uncertain significance (1 of 4 stars; one submission).

Conditions:
Intellectual developmental disorder, autosomal dominant 45. Also called: MENTAL RETARDATION, AUTOSOMAL DOMINANT 45; Intellectual disability, autosomal dominant 45. Identifiers: MedGen C4539848, MONDO:0030910, OMIM 617600.

gnomAD v4.1: 1 of 1,430,162 alleles (0.00007%); highest among the groups gnomAD compares: Non-Finnish European, 0.000093%; no homozygotes.

Submission:

MVZ Medizinische Genetik Mainz
Classification: Uncertain significance for Intellectual developmental disorder, autosomal dominant 45. Last evaluated: 2025-08-11. Review status: criteria provided, single submitter. Criteria: UK Practice Guidelines For Variant Classification V4 01 2020. Collection method: clinical testing. Allele origin: germline. Inheritance: Autosomal dominant inheritance. Affected: yes. Observed: 1 variant allele.
Comment: ACMG Criteria: PVS1_MOD,PM2_SUP